The following is an entry in ClinVar:

NM_001009944.3(PKD1):c.4538T>G (p.Val1513Gly)

Gene: PKD1 (polycystin 1, transient receptor potential channel interacting; minus strand). Cytogenetic location: 16p13.3.
Variant type: single nucleotide variant.
Coding change: c.4538T>G on transcript NM_001009944.3 (MANE Select); coding-DNA position 4538, T replaced by G.
Protein change: p.Val1513Gly; replaces valine 1513 with glycine.
Molecular consequence: missense variant.
Genome position (GRCh38, 1-based): chr16:2,110,629, A>C on the plus strand (T>G on the coding strand, the complement: PKD1 is on the minus strand). VCF-style: chr16-2110629-A-C. GRCh37 (hg19) VCF-style: chr16-2160630-A-C.
Other names: c.4538T>G, p.Val1513Gly (NM_000296.4); short protein forms V1513G.
Identifiers: ClinVar variation 3352854 (VCV003352854.1).

ClinVar aggregate classification (germline): Uncertain significance (0 of 4 stars; one submission).

Conditions:
PKD1-related disorder. Also called: PKD1-related condition.

gnomAD v4.1: 1 of 1,609,566 alleles (0.000062%); highest among the groups gnomAD compares: South Asian, 0.0011%; no homozygotes.

Submission:

PreventionGenetics, part of Exact Sciences
Classification: Uncertain significance for PKD1-related condition. Last evaluated: 2024-07-17. Review status: no assertion criteria provided. Collection method: clinical testing. Allele origin: germline.
Comment: The PKD1 c.4538T>G variant is predicted to result in the amino acid substitution p.Val1513Gly. To our knowledge, this variant has not been reported in the literature. This variant is reported in 0.0033% of alleles in individuals of South Asian descent in gnomAD. At this time, the clinical significance of this variant is uncertain due to the absence of conclusive functional and genetic evidence.